The following is an entry in ClinVar:

ClinVar aggregate classification (germline): Uncertain significance (1 of 4 stars; one submission).

Conditions:
Jeune thoracic dystrophy. Also called: Short-rib thoracic dysplasia; Jeune syndrome; Infantile thoracic dystrophy; Thoracic pelvic phalangeal dystrophy; Jeune's syndrome; Chondroectodermal dysplasia-like syndrome. Identifiers: Orphanet 474, MedGen C0265275, MONDO:0018770.

gnomAD v4.1: 3 of 1,559,576 alleles (0.00019%); highest among the groups gnomAD compares: Non-Finnish European, 0.00026%; no homozygotes.

Submission:

Labcorp Genetics (formerly Invitae), Labcorp
Classification: Uncertain significance for Jeune thoracic dystrophy. Last evaluated: 2022-03-03. Review status: criteria provided, single submitter. Criteria: Invitae Variant Classification Sherloc (09022015). Collection method: clinical testing. Allele origin: germline.
Comment: This variant is not present in population databases (gnomAD no frequency). This sequence change affects codon 3838 of the DYNC2H1 mRNA. It is a 'silent' change, meaning that it does not change the encoded amino acid sequence of the DYNC2H1 protein. This variant also falls at the last nucleotide of exon 79, which is part of the consensus splice site for this exon. This variant has not been reported in the literature in individuals affected with DYNC2H1-related conditions. In summary, the available evidence is currently insufficient to determine the role of this variant in disease. Therefore, it has been classified as a Variant of Uncertain Significance. Variants that disrupt the consensus splice site are a relatively common cause of aberrant splicing (PMID: 17576681, 9536098). Algorithms developed to predict the effect of sequence changes on RNA splicing suggest that this variant may disrupt the consensus splice site. ClinVar contains an entry for this variant (Variation ID: 407163).

Literature cited by the submitters: PubMed 17576681; PubMed 9536098.

NM_001377.3(DYNC2H1):c.11493G>A (p.Glu3831=)

Gene: DYNC2H1 (dynein cytoplasmic 2 heavy chain 1; plus strand). Cytogenetic location: 11q22.3.
Variant type: single nucleotide variant.
Coding change: c.11493G>A on transcript NM_001377.3 (MANE Select); coding-DNA position 11493, G replaced by A.
Protein change: p.Glu3831=; no amino-acid change (glutamic acid 3831 retained).
Molecular consequence: synonymous variant.
Genome position (GRCh38, 1-based): chr11:103,307,831, G>A. VCF-style: chr11-103307831-G-A. GRCh37 (hg19) VCF-style: chr11-103178560-G-A.
Other names: c.11514G>A, p.Glu3838= (NM_001080463.2).
Identifiers: ClinVar variation 407163 (VCV000407163.8), dbSNP rs778529441, ClinGen allele CA16613290.